The following is an entry in ClinVar:

ClinVar aggregate classification (germline): Uncertain significance (1 of 4 stars; one submission).

gnomAD v4.1: 3 of 1,613,928 alleles (0.00019%); highest among the groups gnomAD compares: Non-Finnish European, 0.00025%; no homozygotes.

Submission:

Ambry Genetics
Classification: Uncertain significance. Last evaluated: 2025-06-22. Review status: criteria provided, single submitter. Criteria: Ambry Variant Classification Scheme 2023. Collection method: clinical testing. Allele origin: germline.
Comment: The p.G853R variant (also known as c.2557G>A), located in coding exon 17 of the MYOM1 gene, results from a G to A substitution at nucleotide position 2557. The glycine at codon 853 is replaced by arginine, an amino acid with dissimilar properties. This amino acid position is conserved. In addition, this alteration is predicted to be tolerated by in silico analysis. Based on the available evidence, the clinical significance of this variant remains unclear.

NM_003803.4(MYOM1):c.2557G>A (p.Gly853Arg)

Gene: MYOM1 (myomesin 1; minus strand). Cytogenetic location: 18p11.31.
Variant type: single nucleotide variant.
Coding change: c.2557G>A on transcript NM_003803.4 (MANE Select); coding-DNA position 2557, G replaced by A.
Protein change: p.Gly853Arg; replaces glycine 853 with arginine.
Molecular consequence: missense variant. On other transcripts: intron variant (1).
Genome position (GRCh38, 1-based): chr18:3,129,469, C>T on the plus strand (G>A on the coding strand, the complement: MYOM1 is on the minus strand). VCF-style: chr18-3129469-C-T. GRCh37 (hg19) VCF-style: chr18-3129467-C-T.
Other names: c.2506+1906G>A (NM_019856.2); short protein forms G853R.
Identifiers: ClinVar variation 4115968 (VCV004115968.1).